The following is an entry in ClinVar:

NM_000540.3(RYR1):c.7827G>A (p.Ser2609=)

Gene: RYR1 (ryanodine receptor 1; plus strand). Cytogenetic location: 19q13.2.
Variant type: single nucleotide variant.
Coding change: c.7827G>A on transcript NM_000540.3 (MANE Select); coding-DNA position 7827, G replaced by A.
Protein change: p.Ser2609=; no amino-acid change (serine 2609 retained).
Molecular consequence: synonymous variant.
Genome position (GRCh38, 1-based): chr19:38,502,719, G>A. VCF-style: chr19-38502719-G-A. GRCh37 (hg19) VCF-style: chr19-38993359-G-A.
Other names: c.7827G>A, p.Ser2609= (NM_001042723.2).
Identifiers: ClinVar variation 696989 (VCV000696989.16), dbSNP rs201827284, ClinGen allele CA308112322.

ClinVar aggregate classification (germline): Likely benign. Review status: criteria provided, multiple submitters, no conflicts (2 of 4 stars). 4 submissions from 4 submitters: Likely benign (3). 1 of the submissions does not count toward it. Last evaluated 2025-12-08.

Conditions:
RYR1-related disorder. Also called: RYR1-related disorders; RYR1-related condition. Identifiers: MedGen CN239331.
Malignant hyperthermia, susceptibility to, 1 (MHS1). Also called: RYR1-Related Malignant Hyperthermia Susceptibility; Anesthesia related hyperthermia; Malignant hyperpyrexia; Fulminating hyperpyrexia; Pharmacogenic myopathy; Malignant hyperthermia suceptibility 1. Identifiers: Orphanet 423, MedGen C2930980, MONDO:0007783, OMIM 145600.

Allele frequency attached by ClinVar (database versions not stated): gnomAD exomes 0.00002 and 0.00003; gnomAD 0.00005 and 0.00006; ESP Exome Variant Server 0.00008; 1000 Genomes Project 30x 0.00016; 1000 Genomes Project 0.00020.
gnomAD v4.1: 57 of 1,593,342 alleles (0.0036%); highest among the groups gnomAD compares: Non-Finnish European, 0.0044%; no homozygotes.

Submissions (4):

Labcorp Genetics (formerly Invitae), Labcorp
Classification: Likely benign for RYR1-related disorder. Last evaluated: 2025-12-08. Review status: criteria provided, single submitter. Criteria: Invitae Variant Classification Sherloc (09022015). Collection method: clinical testing. Allele origin: germline.

All of Us Research Program, National Institutes of Health
Classification: Likely benign for Malignant hyperthermia, susceptibility to, 1. Last evaluated: 2024-05-14. Review status: criteria provided, single submitter. Criteria: ACMG Guidelines, 2015. Collection method: clinical testing. Allele origin: germline. Inheritance: Autosomal dominant inheritance. Observed: 11 variant alleles, 11 heterozygotes.
Comment: This study involves interpretation of variants in research participants for the purpose of population health screening. Participant phenotype was not available at the time of variant classification. Additional details can be found in publication PMID: 35346344, PMCID: PMC8962531

Blueprint Genetics
Classification: Likely benign. Last evaluated: 2024-03-18. Review status: criteria provided, single submitter. Criteria: ACMG Guidelines, 2015. Collection method: clinical testing. Allele origin: germline.

PreventionGenetics, part of Exact Sciences
Classification: Likely benign for RYR1-related condition. Last evaluated: 2021-11-11. Review status: no assertion criteria provided. Collection method: clinical testing. Allele origin: germline. Not counted in ClinVar's aggregate classification.
Comment: This variant is classified as likely benign based on ACMG/AMP sequence variant interpretation guidelines (Richards et al. 2015 PMID: 25741868, with internal and published modifications).